The following is an entry in ClinVar:

NM_020376.4(PNPLA2):c.407A>G (p.Asp136Gly)

Gene: PNPLA2 (patatin like domain 2, triacylglycerol lipase; plus strand). Cytogenetic location: 11p15.5.
Variant type: single nucleotide variant.
Coding change: c.407A>G on transcript NM_020376.4 (MANE Select); coding-DNA position 407, A replaced by G.
Protein change: p.Asp136Gly; replaces aspartic acid 136 with glycine.
Molecular consequence: missense variant.
Genome position (GRCh38, 1-based): chr11:821,847, A>G. VCF-style: chr11-821847-A-G. GRCh37 (hg19) VCF-style: chr11-821847-A-G.
Other names: short protein forms D136G.
Identifiers: ClinVar variation 881772 (VCV000881772.11), dbSNP rs1251746576, ClinGen allele CA378978598.

ClinVar aggregate classification (germline): Uncertain significance. Review status: criteria provided, multiple submitters, no conflicts (2 of 4 stars). 2 submissions from 2 submitters: Uncertain significance (2). Last evaluated 2021-04-29.

Conditions:
Neutral lipid storage myopathy (NLSDM). Also called: NEUTRAL LIPID STORAGE DISEASE WITHOUT ICHTHYOSIS. Identifiers: Orphanet 98908, MedGen C1853136, MONDO:0012545, OMIM 610717.

Allele frequency attached by ClinVar (database versions not stated): gnomAD exomes 0.00001 and 0.00002; TOPMed 0.00002.

Submissions (2):

Labcorp Genetics (formerly Invitae), Labcorp
Classification: Uncertain significance for Neutral lipid storage myopathy. Last evaluated: 2021-04-29. Review status: criteria provided, single submitter. Criteria: Invitae Variant Classification Sherloc (09022015). Collection method: clinical testing. Allele origin: germline.
Comment: In summary, the available evidence is currently insufficient to determine the role of this variant in disease. Therefore, it has been classified as a Variant of Uncertain Significance. This sequence change replaces aspartic acid with glycine at codon 136 of the PNPLA2 protein (p.Asp136Gly). The aspartic acid residue is moderately conserved and there is a moderate physicochemical difference between aspartic acid and glycine. This variant is not present in population databases (ExAC no frequency). This variant has not been reported in the literature in individuals with PNPLA2-related conditions. Algorithms developed to predict the effect of missense changes on protein structure and function are either unavailable or do not agree on the potential impact of this missense change (SIFT: "Tolerated"; PolyPhen-2: "Possibly Damaging"; Align-GVGD: "Class C0").

Illumina Laboratory Services, Illumina
Classification: Uncertain significance for Neutral lipid storage myopathy. Last evaluated: 2018-01-15. Review status: criteria provided, single submitter. Criteria: ICSL Variant Classification Criteria 13 December 2019. Collection method: clinical testing. Allele origin: germline.